The following is an entry in ClinVar:

NC_000001.10:g.(?_7527870)_(7527981_?)del

Gene: CAMTA1 (calmodulin binding transcription activator 1; plus strand). Cytogenetic location: 1p36.23.
Variant type: Deletion.
Identifiers: ClinVar variation 3247991 (VCV003247991.1).

ClinVar aggregate classification (germline): Uncertain significance (1 of 4 stars; one submission).

Submission:

Labcorp Genetics (formerly Invitae), Labcorp
Classification: Uncertain significance. Last evaluated: 2023-04-09. Review status: criteria provided, single submitter. Criteria: Invitae Variant Classification Sherloc (09022015). Collection method: clinical testing. Allele origin: unknown.
Comment: In summary, the available evidence is currently insufficient to determine the role of this variant in disease. Therefore, it has been classified as a Variant of Uncertain Significance. Experimental studies and prediction algorithms are not available or were not evaluated, and the functional significance of this variant is currently unknown. This variant has not been reported in the literature in individuals affected with CAMTA1-related conditions. This variant is a gross deletion of the genomic region encompassing exon(s) 6 of the CAMTA1 gene. This variant would be expected to be in-frame, preserving the integrity of the reading frame.